The following is an entry in ClinVar:

NM_001330691.3(CEP78):c.586A>G (p.Met196Val)

Gene: CEP78 (centrosomal protein 78; plus strand). Cytogenetic location: 9q21.2.
Variant type: single nucleotide variant.
Coding change: c.586A>G on transcript NM_001330691.3 (MANE Select); coding-DNA position 586, A replaced by G.
Protein change: p.Met196Val; replaces methionine 196 with valine.
Molecular consequence: missense variant.
Genome position (GRCh38, 1-based): chr9:78,241,782, A>G. VCF-style: chr9-78241782-A-G. GRCh37 (hg19) VCF-style: chr9-80856698-A-G.
Other names: c.586A>G, p.Met196Val (NM_001098802.3, NM_001330693.3, NM_001330694.2 and 4 more transcripts); short protein forms M196V.
Identifiers: ClinVar variation 1995122 (VCV001995122.4), dbSNP rs2489827765, ClinGen allele CA374000318.

ClinVar aggregate classification (germline): Uncertain significance (1 of 4 stars; one submission).

Allele frequency attached by ClinVar (database versions not stated): gnomAD exomes below 0.00001.

Submission:

Labcorp Genetics (formerly Invitae), Labcorp
Classification: Uncertain significance. Last evaluated: 2025-09-02. Review status: criteria provided, single submitter. Criteria: Invitae Variant Classification Sherloc (09022015). Collection method: clinical testing. Allele origin: germline.
Comment: This sequence change replaces methionine, which is neutral and non-polar, with valine, which is neutral and non-polar, at codon 196 of the CEP78 protein (p.Met196Val). This variant is not present in population databases (gnomAD no frequency). This variant has not been reported in the literature in individuals affected with CEP78-related conditions. ClinVar contains an entry for this variant (Variation ID: 1995122). Invitae Evidence Modeling of protein sequence and biophysical properties (such as structural, functional, and spatial information, amino acid conservation, physicochemical variation, residue mobility, and thermodynamic stability) indicates that this missense variant is not expected to disrupt CEP78 protein function with a negative predictive value of 80%. In summary, the available evidence is currently insufficient to determine the role of this variant in disease. Therefore, it has been classified as a Variant of Uncertain Significance.